The following is an entry in ClinVar:

ClinVar aggregate classification (germline): Uncertain significance. Review status: criteria provided, multiple submitters, no conflicts (2 of 4 stars). 2 submissions from 2 submitters: Uncertain significance (2). Last evaluated 2018-01-26.

Conditions:
Kufor-Rakeb syndrome (KRS). Also called: PARKINSON DISEASE 9, AUTOSOMAL RECESSIVE, JUVENILE-ONSET. Identifiers: Orphanet 306674, Orphanet 314632, MedGen C1847640, MONDO:0011706, OMIM 606693.
Inborn genetic diseases. Identifiers: MedGen C0950123, MeSH D030342.

gnomAD v4.1: 2 of 1,614,108 alleles (0.00012%); highest among the groups gnomAD compares: Non-Finnish European, 0.00017%; no homozygotes.

Submissions (2):

Ambry Genetics
Classification: Uncertain significance for Inborn genetic diseases. Last evaluated: 2018-01-26. Review status: criteria provided, single submitter. Criteria: Ambry Variant Classification Scheme 2023. Collection method: clinical testing. Allele origin: germline.
Comment: The p.A855T variant (also known as c.2563G>A), located in coding exon 23 of the ATP13A2 gene, results from a G to A substitution at nucleotide position 2563. The alanine at codon 855 is replaced by threonine, an amino acid with similar properties. This amino acid position is not well conserved in available vertebrate species. In addition, this alteration is predicted to be tolerated by in silico analysis. Since supporting evidence is limited at this time, the clinical significance of this alteration remains unclear.

Illumina Laboratory Services, Illumina
Classification: Uncertain significance for Kufor-Rakeb syndrome. Last evaluated: 2018-01-13. Review status: criteria provided, single submitter. Criteria: ICSL Variant Classification Criteria 13 December 2019. Collection method: clinical testing. Allele origin: germline.

NM_022089.4(ATP13A2):c.2563G>A (p.Ala855Thr)

Gene: ATP13A2 (ATPase cation transporting 13A2; minus strand). Cytogenetic location: 1p36.13.
Variant type: single nucleotide variant.
Coding change: c.2563G>A on transcript NM_022089.4 (MANE Select); coding-DNA position 2563, G replaced by A.
Protein change: p.Ala855Thr; replaces alanine 855 with threonine.
Molecular consequence: missense variant.
Genome position (GRCh38, 1-based): chr1:16,989,737, C>T on the plus strand (G>A on the coding strand, the complement: ATP13A2 is on the minus strand). VCF-style: chr1-16989737-C-T. GRCh37 (hg19) VCF-style: chr1-17316232-C-T.
Other names: c.2548G>A, p.Ala850Thr (NM_001141973.3); c.2431G>A, p.Ala811Thr (NM_001141974.3); short protein forms A855T, A811T, A850T.
Identifiers: ClinVar variation 293777 (VCV000293777.7), dbSNP rs886045579, ClinGen allele CA10608214.